The following is an entry in ClinVar:

NM_002485.5(NBN):c.1272G>C (p.Met424Ile)

Gene: NBN (nibrin; minus strand). Cytogenetic location: 8q21.3.
Variant type: single nucleotide variant.
Coding change: c.1272G>C on transcript NM_002485.5 (MANE Select); coding-DNA position 1272, G replaced by C.
Protein change: p.Met424Ile; replaces methionine 424 with isoleucine.
Molecular consequence: missense variant.
Genome position (GRCh38, 1-based): chr8:89,955,408, C>G on the plus strand (G>C on the coding strand, the complement: NBN is on the minus strand). VCF-style: chr8-89955408-C-G. GRCh37 (hg19) VCF-style: chr8-90967636-C-G.
Other names: c.1026G>C, p.Met342Ile (NM_001024688.3, NM_001440379.1, NM_001440380.1); short protein forms M342I, M424I.
Identifiers: ClinVar variation 5025407 (VCV005025407.1).

ClinVar aggregate classification (germline): Uncertain significance (1 of 4 stars; one submission).

Conditions:
Hereditary cancer-predisposing syndrome. Also called: Neoplastic Syndromes, Hereditary; Tumor predisposition; Hereditary neoplastic syndrome; Hereditary Cancer Syndrome. Identifiers: Orphanet 140162, MedGen C0027672, MeSH D009386, MONDO:0015356.

Submission:

Ambry Genetics
Classification: Uncertain significance for Hereditary cancer-predisposing syndrome. Last evaluated: 2026-07-06. Review status: criteria provided, single submitter. Criteria: Ambry Variant Classification Scheme 2023. Collection method: clinical testing. Allele origin: germline.
Comment: The p.M424I variant (also known as c.1272G>C), located in coding exon 10 of the NBN gene, results from a G to C substitution at nucleotide position 1272. The methionine at codon 424 is replaced by isoleucine, an amino acid with highly similar properties. This amino acid position is conserved. In addition, this alteration is predicted to be tolerated by in silico analysis. Based on the available evidence, the clinical significance of this variant remains unclear.